The following is an entry in ClinVar:

ClinVar aggregate classification (germline): Conflicting classifications of pathogenicity. Review status: criteria provided, conflicting classifications (1 of 4 stars). 3 submissions from 3 submitters: Uncertain significance (2); Likely benign (1). Last evaluated 2024-05-09.

Conditions:
Inborn genetic diseases. Identifiers: MedGen C0950123, MeSH D030342.
DOCK2 deficiency. Also called: Immunodeficiency 40. Identifiers: Orphanet 447737, MedGen C4225328, MONDO:0014637, OMIM 616433.

Allele frequency attached by ClinVar (database versions not stated): gnomAD 0.00005; TOPMed 0.00007; ExAC 0.00012; gnomAD exomes 0.00012.
gnomAD v4.1: 48 of 1,613,530 alleles (0.003%); highest among the groups gnomAD compares: East Asian, 0.06%; no homozygotes.

Submissions (3):

Blueprint Genetics
Classification: Likely benign. Last evaluated: 2024-05-09. Review status: criteria provided, single submitter. Criteria: ACMG Guidelines, 2015. Collection method: clinical testing. Allele origin: germline.

Ambry Genetics
Classification: Uncertain significance for Inborn genetic diseases. Last evaluated: 2023-05-17. Review status: criteria provided, single submitter. Criteria: Ambry Variant Classification Scheme 2023. Collection method: clinical testing. Allele origin: germline.

Labcorp Genetics (formerly Invitae), Labcorp
Classification: Uncertain significance for DOCK2 deficiency. Last evaluated: 2021-08-30. Review status: criteria provided, single submitter. Criteria: Invitae Variant Classification Sherloc (09022015). Collection method: clinical testing. Allele origin: germline.
Comment: This sequence change replaces serine with leucine at codon 1718 of the DOCK2 protein (p.Ser1718Leu). The serine residue is weakly conserved and there is a large physicochemical difference between serine and leucine. This variant is present in population databases (rs760040908, ExAC 0.1%). This variant has not been reported in the literature in individuals affected with DOCK2-related conditions. Algorithms developed to predict the effect of missense changes on protein structure and function output the following: SIFT: "Tolerated"; PolyPhen-2: "Benign"; Align-GVGD: "Class C0". The leucine amino acid residue is found in multiple mammalian species, which suggests that this missense change does not adversely affect protein function. In summary, the available evidence is currently insufficient to determine the role of this variant in disease. Therefore, it has been classified as a Variant of Uncertain Significance.

NM_004946.3(DOCK2):c.5153C>T (p.Ser1718Leu)

Gene: DOCK2 (dedicator of cytokinesis 2; plus strand). Cytogenetic location: 5q35.1.
Variant type: single nucleotide variant.
Coding change: c.5153C>T on transcript NM_004946.3 (MANE Select); coding-DNA position 5153, C replaced by T.
Protein change: p.Ser1718Leu; replaces serine 1718 with leucine.
Molecular consequence: missense variant. On other transcripts: non-coding transcript variant (1).
Genome position (GRCh38, 1-based): chr5:170,079,133, C>T. VCF-style: chr5-170079133-C-T. GRCh37 (hg19) VCF-style: chr5-169506137-C-T.
Other names: c.5153C>T (NM_004946.2); short protein forms S1718L.
Identifiers: ClinVar variation 1037879 (VCV001037879.8), dbSNP rs760040908, ClinGen allele CA3554772.
Genomic context (GRCh38, chr5:170,079,133, plus strand): 5'-CCAAGAAGAGGACAAAGAGAAGCAGCGTAGTTTTTGCGGATGAGAAAGCAGCTGCAGAGT[C>T]GGACCTGAAGCGGGTGAGTGGCTGAGGCAGATTGCCTCTCCAGCGCTGTTAGCACATTTC-3'
Protein context (NP_004937.1, residues 1708-1728): VFADEKAAAE[Ser1718Leu]DLKRLSRKHE